The following is an entry in ClinVar:

NM_000619.3(IFNG):c.-5A>G

Gene: IFNG (interferon gamma; minus strand). Cytogenetic location: 12q15.
Variant type: single nucleotide variant.
Coding change: c.-5A>G on transcript NM_000619.3 (MANE Select); 5 bases upstream of the start codon, A replaced by G.
Molecular consequence: 5 prime UTR variant.
Genome position (GRCh38, 1-based): chr12:68,159,620, T>C on the plus strand (A>G on the coding strand, the complement: IFNG is on the minus strand). VCF-style: chr12-68159620-T-C. GRCh37 (hg19) VCF-style: chr12-68553400-T-C.
Identifiers: ClinVar variation 310326 (VCV000310326.31), dbSNP rs181407537, ClinGen allele CA6675949.

ClinVar aggregate classification (germline): Conflicting classifications of pathogenicity. Review status: criteria provided, conflicting classifications (1 of 4 stars). 3 submissions from 3 submitters: Uncertain significance (2); Benign (1). Last evaluated 2024-02-01.

Conditions:
Aplastic anemia. Identifiers: Orphanet 182040, Orphanet 88, MedGen C0002874, MONDO:0015909, OMIM 609135, HP:0001915.

Allele frequency attached by ClinVar (database versions not stated): ESP Exome Variant Server 0.00054; 1000 Genomes Project 0.00060; gnomAD exomes 0.00061 and 0.00114; 1000 Genomes Project 30x 0.00062; gnomAD 0.00066; TOPMed 0.00075; ExAC 0.00118.
gnomAD v4.1: 993 of 1,510,620 alleles (0.066%); highest among the groups gnomAD compares: Middle Eastern, 0.56%; 5 homozygotes.

Submissions (3):

CeGaT Center for Human Genetics Tuebingen
Classification: Benign. Last evaluated: 2024-02-01. Review status: criteria provided, single submitter. Criteria: CeGaT Center For Human Genetics Tuebingen Variant Classification Criteria Version 2. Collection method: clinical testing. Allele origin: germline. Affected: yes. Observed: 2 variant alleles.
Comment: IFNG: BP4, BS1, BS2

Illumina Laboratory Services, Illumina
Classification: Uncertain significance for Aplastic anemia. Last evaluated: 2018-01-13. Review status: criteria provided, single submitter. Criteria: ICSL Variant Classification Criteria 13 December 2019. Collection method: clinical testing. Allele origin: germline.

Breakthrough Genomics
Classification: Uncertain significance. Review status: criteria provided, single submitter. Criteria: ACMG Guidelines, 2015. Collection method: not provided. Allele origin: germline. Inheritance: Autosomal recessive inheritance. Affected: yes.